The following is an entry in ClinVar:

NM_000090.4(COL3A1):c.4303A>G (p.Lys1435Glu)

Gene: COL3A1 (collagen type III alpha 1 chain; plus strand). Cytogenetic location: 2q32.2.
Variant type: single nucleotide variant.
Coding change: c.4303A>G on transcript NM_000090.4 (MANE Select); coding-DNA position 4303, A replaced by G.
Protein change: p.Lys1435Glu; replaces lysine 1435 with glutamic acid.
Molecular consequence: missense variant.
Genome position (GRCh38, 1-based): chr2:189,011,676, A>G. VCF-style: chr2-189011676-A-G. GRCh37 (hg19) VCF-style: chr2-189876402-A-G.
Other names: short protein forms K1435E.
Identifiers: ClinVar variation 1299607 (VCV001299607.1), dbSNP rs2153504447, ClinGen allele CA349850300.

ClinVar aggregate classification (germline): Uncertain significance (1 of 4 stars; one submission).

Conditions:
Ehlers-Danlos syndrome, type 4 (EDSVASC). Also called: Ehlers-Danlos syndrome vascular type; Ehlers Danlos syndrome, ecchymotic type; Ehlers Danlos syndrome, arterial type; Ehlers Danlos syndrome, Sack-Barabas type; Ehlers-Danlos Syndrome Type IV. Identifiers: Orphanet 286, MedGen C0268338, MONDO:0017314, OMIM 130050.

Submission:

Laboratory of Medical Genetics, National & Kapodistrian University of Athens
Classification: Uncertain significance for Ehlers-Danlos syndrome, type 4. Last evaluated: 2021-10-06. Review status: criteria provided, single submitter. Criteria: ACMG Guidelines, 2015. Collection method: clinical testing. Allele origin: paternal.
Comment: PM2, PP2, PP3